The following is an entry in ClinVar:

ClinVar aggregate classification (germline): Uncertain significance. Review status: criteria provided, multiple submitters, no conflicts (2 of 4 stars). 2 submissions from 2 submitters: Uncertain significance (2). Last evaluated 2024-10-20.

Conditions:
Inborn genetic diseases. Identifiers: MedGen C0950123, MeSH D030342.

Allele frequency attached by ClinVar (database versions not stated): TOPMed below 0.00001; gnomAD exomes 0.00001.
gnomAD v4.1: 13 of 1,614,182 alleles (0.00081%); highest among the groups gnomAD compares: South Asian, 0.0088%; no homozygotes.

Submissions (2):

Ambry Genetics
Classification: Uncertain significance for Inborn genetic diseases. Last evaluated: 2024-10-20. Review status: criteria provided, single submitter. Criteria: Ambry Variant Classification Scheme 2023. Collection method: clinical testing. Allele origin: germline.

Women's Health and Genetics/Laboratory Corporation of America, LabCorp
Classification: Uncertain significance. Last evaluated: 2023-03-06. Review status: criteria provided, single submitter. Criteria: LabCorp Variant Classification Summary - May 2015. Collection method: clinical testing. Allele origin: germline.
Comment: Variant summary: GLI2 c.1010C>T (p.Thr337Met) results in a non-conservative amino acid change in the encoded protein sequence. Four of five in-silico tools predict a benign effect of the variant on protein function. The variant allele was found at a frequency of 8e-06 in 251132 control chromosomes. The available data on variant occurrences in the general population are insufficient to allow any conclusion about variant significance. To our knowledge, no occurrence of c.1010C>T in individuals affected with GLI2-Related Disorders and no experimental evidence demonstrating its impact on protein function have been reported. No clinical diagnostic laboratories have submitted clinical-significance assessments for this variant to ClinVar after 2014. Based on the evidence outlined above, the variant was classified as uncertain significance.

NM_001374353.1(GLI2):c.1010C>T (p.Thr337Met)

Gene: GLI2 (GLI family zinc finger 2; plus strand). Cytogenetic location: 2q14.2.
Variant type: single nucleotide variant.
Coding change: c.1010C>T on transcript NM_001374353.1 (MANE Select); coding-DNA position 1010, C replaced by T.
Protein change: p.Thr337Met; replaces threonine 337 with methionine.
Molecular consequence: missense variant.
Genome position (GRCh38, 1-based): chr2:120,970,557, C>T. VCF-style: chr2-120970557-C-T. GRCh37 (hg19) VCF-style: chr2-121728133-C-T.
Other names: c.1010C>T, p.Thr337Met (NM_001371271.1, NM_005270.5); c.635C>T, p.Thr212Met (NM_001374354.1); short protein forms T212M, T337M.
Identifiers: ClinVar variation 2501165 (VCV002501165.2), dbSNP rs1419274436, ClinGen allele CA348168556.
Genomic context (GRCh38, chr2:120,970,557, plus strand): 5'-TCCAGCCCTCACCCACCTTCCTGGCCCAGCAGCCCATGGCCCTCACCTCCATCAATGCCA[C>T]GCCCACCCAGCTCAGCAGCAGCAGCAACTGTCTGAGTGACACCAACCAGGTAGGTGGGTG-3'
Protein context (NP_001361282.1, residues 327-347): QPMALTSINA[Thr337Met]PTQLSSSSNC